The following is an entry in ClinVar:

ClinVar aggregate classification (germline): Uncertain significance (1 of 4 stars; one submission).

Allele frequency attached by ClinVar (database versions not stated): ExAC 0.00004; gnomAD exomes 0.00004; gnomAD 0.00009; TOPMed 0.00011; ESP Exome Variant Server 0.00023.
gnomAD v4.1: 66 of 1,610,306 alleles (0.0041%); highest among the groups gnomAD compares: Middle Eastern, 0.05%; no homozygotes.

Submission:

Labcorp Genetics (formerly Invitae), Labcorp
Classification: Uncertain significance. Last evaluated: 2024-02-06. Review status: criteria provided, single submitter. Criteria: Invitae Variant Classification Sherloc (09022015). Collection method: clinical testing. Allele origin: germline.
Comment: This sequence change replaces threonine, which is neutral and polar, with methionine, which is neutral and non-polar, at codon 123 of the TRRAP protein (p.Thr123Met). This variant is present in population databases (rs148101267, gnomAD 0.008%). This variant has not been reported in the literature in individuals affected with TRRAP-related conditions. An algorithm developed to predict the effect of missense changes on protein structure and function (PolyPhen-2) suggests that this variant is likely to be disruptive. In summary, the available evidence is currently insufficient to determine the role of this variant in disease. Therefore, it has been classified as a Variant of Uncertain Significance.

NM_001375524.1(TRRAP):c.368C>T (p.Thr123Met)

Gene: TRRAP (transformation/transcription domain associated protein; plus strand). Cytogenetic location: 7q22.1.
Variant type: single nucleotide variant.
Coding change: c.368C>T on transcript NM_001375524.1 (MANE Select); coding-DNA position 368, C replaced by T.
Protein change: p.Thr123Met; replaces threonine 123 with methionine.
Molecular consequence: missense variant.
Genome position (GRCh38, 1-based): chr7:98,893,799, C>T. VCF-style: chr7-98893799-C-T. GRCh37 (hg19) VCF-style: chr7-98491422-C-T.
Other names: c.368C>T, p.Thr123Met (NM_001244580.2, NM_003496.4); short protein forms T123M.
Identifiers: ClinVar variation 2733075 (VCV002733075.3), dbSNP rs148101267, ClinGen allele CA4359224.